The following is an entry in ClinVar:

ClinVar aggregate classification (germline): Likely benign (1 of 4 stars; one submission).

Allele frequency attached by ClinVar (database versions not stated): ExAC 0.00001; gnomAD 0.00001; TOPMed 0.00002; gnomAD exomes 0.00005.
gnomAD v4.1: 69 of 1,614,058 alleles (0.0043%); highest among the groups gnomAD compares: Non-Finnish European, 0.0054%; no homozygotes.

Submission:

CeGaT Center for Human Genetics Tuebingen
Classification: Likely benign. Last evaluated: 2023-03-01. Review status: criteria provided, single submitter. Criteria: CeGaT Center For Human Genetics Tuebingen Variant Classification Criteria Version 2. Collection method: clinical testing. Allele origin: germline. Affected: yes. Observed: 1 variant allele.
Comment: FAT2: BP4, BP7

NM_001447.3(FAT2):c.1326C>T (p.Thr442=)

Gene: FAT2 (FAT atypical cadherin 2; minus strand). Cytogenetic location: 5q33.1.
Variant type: single nucleotide variant.
Coding change: c.1326C>T on transcript NM_001447.3 (MANE Select); coding-DNA position 1326, C replaced by T.
Protein change: p.Thr442=; no amino-acid change (threonine 442 retained).
Molecular consequence: synonymous variant.
Genome position (GRCh38, 1-based): chr5:151,567,606, G>A on the plus strand (C>T on the coding strand, the complement: FAT2 is on the minus strand). VCF-style: chr5-151567606-G-A. GRCh37 (hg19) VCF-style: chr5-150947167-G-A.
Identifiers: ClinVar variation 2655968 (VCV002655968.24), dbSNP rs772411485, ClinGen allele CA3522272.